The following is an entry in ClinVar:

ClinVar aggregate classification (germline): Pathogenic/Likely pathogenic. Review status: criteria provided, multiple submitters, no conflicts (2 of 4 stars). 2 submissions from 2 submitters: Pathogenic (1); Likely pathogenic (1). Last evaluated 2023-12-21.

Conditions:
Arthrogryposis multiplex congenita 6. Identifiers: MedGen C5543431, MONDO:0030281, OMIM 619334.
Nemaline myopathy 2 (NEM2). Also called: Nemaline myopathy 2, autosomal recessive. Identifiers: MedGen C1850569, MONDO:0009725, OMIM 256030.

Submissions (2):

Baylor Genetics
Classification: Likely pathogenic for Arthrogryposis multiplex congenita 6. Last evaluated: 2023-12-21. Review status: criteria provided, single submitter. Criteria: ACMG Guidelines, 2015. Collection method: clinical testing. Allele origin: unknown.

Labcorp Genetics (formerly Invitae), Labcorp
Classification: Pathogenic for Nemaline myopathy 2. Last evaluated: 2023-03-12. Review status: criteria provided, single submitter. Criteria: Invitae Variant Classification Sherloc (09022015). Collection method: clinical testing. Allele origin: germline.
Comment: For these reasons, this variant has been classified as Pathogenic. This variant has not been reported in the literature in individuals affected with NEB-related conditions. This variant is not present in population databases (gnomAD no frequency). This sequence change creates a premature translational stop signal (p.Leu2634Cysfs*29) in the NEB gene. It is expected to result in an absent or disrupted protein product. Loss-of-function variants in NEB are known to be pathogenic (PMID: 25205138).

Literature cited by the submitters: PubMed 25205138 (cited by Labcorp Genetics (formerly Invitae), Labcorp).

NM_001164508.2(NEB):c.7900del (p.Leu2634fs)

Gene: NEB (nebulin; minus strand). Cytogenetic location: 2q23.3.
Variant type: Deletion.
Coding change: c.7900del on transcript NM_001164508.2 (MANE Select); coding-DNA position 7900, one base deleted (C; older notation c.7900delC).
Protein change: p.Leu2634fs; shifts the reading frame from leucine 2634.
Molecular consequence: frameshift variant.
Genome position (GRCh38, 1-based): chr2:151,643,874, G deleted on the plus strand (C on the coding strand, the reverse complement: NEB is on the minus strand); the first of 2 consecutive G bases (chr2:151,643,874-151,643,875); deleting either gives the same sequence. VCF-style (leftmost placement, unchanged base first): chr2-151643873-AG-A. GRCh37 (hg19) VCF-style: chr2-152500387-AG-A.
Other names: c.7900del, p.Leu2634fs (NM_001164507.2, NM_001271208.2, NM_004543.5); c.7899delC, p.Leu2634Cysfs (NM_001271208.1); c.7900del (NM_001271208.1); short protein forms L2634fs.
Identifiers: ClinVar variation 2845042 (VCV002845042.4), dbSNP rs2552247258, ClinGen allele CA2661468694.